The following is an entry in ClinVar:

NM_006924.5(SRSF1):c.71C>T (p.Pro24Leu)

Gene: SRSF1 (serine and arginine rich splicing factor 1; minus strand). Cytogenetic location: 17q22.
Variant type: single nucleotide variant.
Coding change: c.71C>T on transcript NM_006924.5 (MANE Select); coding-DNA position 71, C replaced by T.
Protein change: p.Pro24Leu; replaces proline 24 with leucine.
Molecular consequence: missense variant. On other transcripts: non-coding transcript variant (1).
Genome position (GRCh38, 1-based): chr17:58,007,067, G>A on the plus strand (C>T on the coding strand, the complement: SRSF1 is on the minus strand). VCF-style: chr17-58007067-G-A. GRCh37 (hg19) VCF-style: chr17-56084428-G-A.
Other names: c.71C>T, p.Pro24Leu (NM_001078166.2); short protein forms P24L.
Identifiers: ClinVar variation 1331676 (VCV001331676.10), dbSNP rs2143492189, ClinGen allele CA399946904.

ClinVar aggregate classification (germline): Conflicting classifications of pathogenicity. Review status: criteria provided, conflicting classifications (1 of 4 stars). 3 submissions from 3 submitters: Pathogenic (1); Uncertain significance (1). 1 of the submissions does not count toward it. Last evaluated 2023-02-15.

Conditions:
Neurodevelopmental disorder with dysmorphic facies and behavioral abnormalities (NEDFBA). Identifiers: MedGen C5882684, MONDO:0957583, OMIM 620489.
Intellectual disability. Also called: intellectual disabilities; Intellectual functioning disability; Intellectual developmental disorder. Identifiers: MedGen C3714756, MeSH D008607, MONDO:0001071, HP:0001249.
Neurodevelopmental delay. Identifiers: MedGen C4022738, HP:0012758.

Submissions (3):

Equipe Genetique des Anomalies du Developpement, Université de Bourgogne
Classification: Pathogenic for Neurodevelopmental delay; Intellectual disability. Last evaluated: 2023-02-15. Review status: criteria provided, single submitter. Criteria: ACMG Guidelines, 2015. Collection method: clinical testing. Allele origin: de novo. Affected: yes. Observed: 1 variant allele.

Greenwood Genetic Center Diagnostic Laboratories, Greenwood Genetic Center
Classification: Uncertain significance. Last evaluated: 2021-02-01. Review status: criteria provided, single submitter. Criteria: ACMG Guidelines, 2015. Collection method: clinical testing. Allele origin: germline. Affected: yes.
Comment: PM2

OMIM
Classification: Pathogenic for NEURODEVELOPMENTAL DISORDER WITH DYSMORPHIC FACIES AND BEHAVIORAL ABNORMALITIES. Last evaluated: 2023-08-29. Review status: no assertion criteria provided. Collection method: literature only. Allele origin: germline. Not counted in ClinVar's aggregate classification.

Literature cited by the submitters: PubMed 37071997 (cited by Equipe Genetique des Anomalies du Developpement, Université de Bourgogne and OMIM).